The following is an entry in ClinVar:

ClinVar aggregate classification (germline): Uncertain significance (1 of 4 stars; one submission).

gnomAD v4.1: 8 of 1,614,018 alleles (0.0005%); highest among the groups gnomAD compares: Non-Finnish European, 0.00068%; no homozygotes.

Submission:

Labcorp Genetics (formerly Invitae), Labcorp
Classification: Uncertain significance. Last evaluated: 2022-03-17. Review status: criteria provided, single submitter. Criteria: Invitae Variant Classification Sherloc (09022015). Collection method: clinical testing. Allele origin: germline.
Comment: In summary, the available evidence is currently insufficient to determine the role of this variant in disease. Therefore, it has been classified as a Variant of Uncertain Significance. Algorithms developed to predict the effect of missense changes on protein structure and function are either unavailable or do not agree on the potential impact of this missense change (SIFT: "Tolerated"; PolyPhen-2: "Possibly Damaging"; Align-GVGD: "Class C0"). ClinVar contains an entry for this variant (Variation ID: 933884). This variant has not been reported in the literature in individuals affected with SEMA4A-related conditions. This variant is not present in population databases (gnomAD no frequency). This sequence change replaces proline, which is neutral and non-polar, with arginine, which is basic and polar, at codon 102 of the SEMA4A protein (p.Pro102Arg).

NM_022367.4(SEMA4A):c.305C>G (p.Pro102Arg)

Gene: SEMA4A (semaphorin 4A; plus strand). Cytogenetic location: 1q22.
Variant type: single nucleotide variant.
Coding change: c.305C>G on transcript NM_022367.4 (MANE Select); coding-DNA position 305, C replaced by G.
Protein change: p.Pro102Arg; replaces proline 102 with arginine.
Molecular consequence: missense variant. On other transcripts: 5 prime UTR variant (2).
Genome position (GRCh38, 1-based): chr1:156,158,074, C>G. VCF-style: chr1-156158074-C-G. GRCh37 (hg19) VCF-style: chr1-156127865-C-G.
Other names: c.305C>G, p.Pro102Arg (NM_001193300.2, NM_001193301.2, NM_001370567.1); c.8C>G, p.Pro3Arg (NM_001193302.2, NM_001370568.1); c.-220C>G (NM_001370569.1, NM_001370571.1); short protein forms P3R, P102R.
Identifiers: ClinVar variation 933884 (VCV000933884.9), dbSNP rs143382589, ClinGen allele CA342835506.